The following is an entry in ClinVar:

NM_000093.5(COL5A1):c.739G>A (p.Ala247Thr)

Gene: COL5A1 (collagen type V alpha 1 chain; plus strand). Cytogenetic location: 9q34.3.
Variant type: single nucleotide variant.
Coding change: c.739G>A on transcript NM_000093.5 (MANE Select); coding-DNA position 739, G replaced by A.
Protein change: p.Ala247Thr; replaces alanine 247 with threonine.
Molecular consequence: missense variant.
Genome position (GRCh38, 1-based): chr9:134,727,350, G>A. VCF-style: chr9-134727350-G-A. GRCh37 (hg19) VCF-style: chr9-137619196-G-A.
Other names: c.739G>A, p.Ala247Thr (NM_001278074.1); short protein forms A247T.
Identifiers: ClinVar variation 365707 (VCV000365707.27), dbSNP rs769115550, ClinGen allele CA5318510.
Genomic context (GRCh38, chr9:134,727,350, plus strand): 5'-GTCTCGGACCACCGGGCAGCTTATGATTACTGTGAGCACTACAGCCCTGACTGTGACACC[G>A]CAGTACCTGACACCCCACAGTCGCAGGACCCCAATCCAGATGAATATGTGAGTTAACTCT-3'
Protein context (NP_000084.3, residues 237-257): CEHYSPDCDT[Ala247Thr]VPDTPQSQDP

ClinVar aggregate classification (germline): Conflicting classifications of pathogenicity. Review status: criteria provided, conflicting classifications (1 of 4 stars). 4 submissions from 4 submitters: Uncertain significance (3); Benign (1). Last evaluated 2026-06-10.

Conditions:
Ehlers-Danlos syndrome, classic type (cEDS). Identifiers: Orphanet 287, MedGen C4225429, MONDO:0007522.
Familial thoracic aortic aneurysm and aortic dissection (TAAD). Also called: Thoracic aortic aneurysms and dissections. Identifiers: Orphanet 91387, MedGen C4707243, MONDO:0019625.
Ehlers-Danlos syndrome, classic type, 1 (EDSCL1). Also called: EHLERS-DANLOS SYNDROME, GRAVIS TYPE; EHLERS-DANLOS SYNDROME, SEVERE CLASSIC TYPE; Ehlers-Danlos Syndrome, Classic Type, COL5A1-Related; EDS I; Ehlers-Danlos syndrome, type 1. Identifiers: MedGen C0268335, MONDO:0019567, OMIM 130000.

Allele frequency attached by ClinVar (database versions not stated): ExAC 0.00002; gnomAD exomes 0.00002; TOPMed 0.00003; gnomAD 0.00004 and 0.00003.
gnomAD v4.1: 35 of 1,613,930 alleles (0.0022%); highest among the groups gnomAD compares: African/African-American, 0.0027%; no homozygotes.

Submissions (4):

Ambry Genetics
Classification: Uncertain significance for Familial thoracic aortic aneurysm and aortic dissection. Last evaluated: 2026-06-10. Review status: criteria provided, single submitter. Criteria: Ambry Variant Classification Scheme 2023. Collection method: clinical testing. Allele origin: germline.
Comment: The c.739G>A (p.A247T) alteration is located in exon 5 (coding exon 5) of the COL5A1 gene. This alteration results from a G to A substitution at nucleotide position 739, causing the alanine (A) at amino acid position 247 to be replaced by a threonine (T). Based on data from gnomAD, the A allele has an overall frequency of 0.003% (8/282860) total alleles studied. The highest observed frequency was 0.005% (7/129188) of European (non-Finnish) alleles. Based on insufficient or conflicting evidence, the clinical significance of this alteration remains unclear.

Labcorp Genetics (formerly Invitae), Labcorp
Classification: Benign for Ehlers-Danlos syndrome, classic type, 1. Last evaluated: 2025-12-22. Review status: criteria provided, single submitter. Criteria: Invitae Variant Classification Sherloc (09022015). Collection method: clinical testing. Allele origin: germline.

Women's Health and Genetics/Laboratory Corporation of America, LabCorp
Classification: Uncertain significance. Last evaluated: 2025-11-18. Review status: criteria provided, single submitter. Criteria: LabCorp Variant Classification Summary - May 2015. Collection method: clinical testing. Allele origin: germline.
Comment: Variant summary: COL5A1 c.739G>A (p.Ala247Thr) results in a non-conservative amino acid change in the encoded protein sequence. Algorithms developed to predict the effect of missense changes on protein structure and function are either unavailable or do not agree on the potential impact of this missense change. The variant allele was found at a frequency of 2.2e-05 in 1613930 control chromosomes, predominantly at a frequency of 2.5e-05 within the Non-Finnish European subpopulation in the gnomAD v4 database. This frequency is not significantly higher than estimated for disease-causing variants in COL5A1, allowing no conclusion about variant significance. c.739G>A has been observed in one individual affected with keratoconus (Lucase_2018). The report does not provide unequivocal conclusions about association of the variant with Ehlers-Danlos Syndrome, Classic Type, 1. To our knowledge, no experimental evidence demonstrating an impact on protein function has been reported. The following publication have been ascertained in the context of this evaluation (PMID: 29924831). ClinVar contains an entry for this variant (Variation ID: 365707). Based on the evidence outlined above, the variant was classified as uncertain significance.

GeneDx
Classification: Uncertain significance. Last evaluated: 2021-11-03. Review status: criteria provided, single submitter. Criteria: GeneDx Variant Classification Process June 2021. Collection method: clinical testing. Allele origin: germline. Affected: yes.
Comment: Reported in a patient with keratoconus in the published literature (Lucas et al., 2018); In silico analysis supports that this missense variant does not alter protein structure/function; Not located in the triple helical region, where the majority of pathogenic missense variants occur (Stenson et al., 2014); Reported in ClinVar as a variant of uncertain significance (ClinVar Variant ID# 365707; Landrum et al., 2016); This variant is associated with the following publications: (PMID: 29924831)

Literature cited by the submitters: PubMed 29924831 (cited by Women's Health and Genetics/Laboratory Corporation of America, LabCorp).